The following is an entry in ClinVar:

NM_000135.4(FANCA):c.4268_*37del (p.Ala1423_Ter1456delinsXaa)

Genes: FANCA (FA complementation group A; minus strand), ZNF276 (zinc finger protein 276; plus strand). Cytogenetic location: 16q24.3.
Variant type: Deletion.
Coding change: c.4268_*37del on transcript NM_000135.4 (MANE Select); coding-DNA position 4268 through 37 bases downstream of the stop codon, 138 bases deleted.
Protein change: p.Ala1423_Ter1456delinsXaa.
Molecular consequence: stop lost. On other transcripts: 3 prime UTR variant (2), non-coding transcript variant (4).
Genome position (GRCh38, 1-based): chr16:89,738,564-89,738,701, 138 bases deleted. GRCh37 (hg19): chr16:89,804,972-89,805,109.
Other names: c.4268_*37del138, p.Ala1423_Ter(1456_?)(?) (NM_000135.2); c.4272_*134del, p.Gly1424_Ter1425delinsXaa (NM_001286167.3); c.*318_*455del (NM_001113525.2, NM_152287.4).
Identifiers: ClinVar variation 974273 (VCV000974273.6), dbSNP rs2062027006, ClinGen allele CA1139664941.

ClinVar aggregate classification (germline): Pathogenic. Review status: criteria provided, multiple submitters, no conflicts (2 of 4 stars). 4 submissions from 4 submitters: Pathogenic (3). 1 of the submissions does not count toward it. Last evaluated 2025-12-22.

Conditions:
Fanconi anemia (FA). Also called: Fanconi's anemia. Identifiers: Orphanet 84, MedGen C0015625, MeSH D005199, MONDO:0019391.
Fanconi anemia complementation group A (FANCA). Also called: FANCA-Related Fanconi Anemia; Fanconi anemia, group A. Identifiers: Orphanet 84, MedGen C3469521, MONDO:0009215, OMIM 227650.

Submissions (4):

Myriad Genetics, Inc.
Classification: Pathogenic for Fanconi anemia complementation group A. Last evaluated: 2025-12-22. Review status: criteria provided, single submitter. Criteria: Myriad Autosomal Dominant, Autosomal Recessive and X-Linked Classification Criteria (2023). Collection method: clinical testing. Allele origin: unknown.
Comment: NM_000135.2(FANCA):c.4268_*37del138(A1423Efs*15) is a read through frameshift variant classified as pathogenic in the context of Fanconi anemia complementation group A. A1423Efs*15 has been observed in a case with relevant disease (PMID: 19367192). Relevant functional assessments of this variant are not available in the literature. A1423Efs*15 has not been observed in referenced population frequency databases. In summary, NM_000135.2(FANCA):c.4268_*37del138(A1423Efs*15) is a read through frameshift variant in a gene where loss of function is a known mechanism of disease, is predicted to disrupt protein function, and has been observed more frequently in cases with the relevant disease than in healthy populations. Please note: this variant was assessed in the context of healthy population screening.

Labcorp Genetics (formerly Invitae), Labcorp
Classification: Pathogenic for Fanconi anemia. Last evaluated: 2023-12-03. Review status: criteria provided, single submitter. Criteria: Invitae Variant Classification Sherloc (09022015). Collection method: clinical testing. Allele origin: germline.
Comment: This variant, c.4268_*37del, is a complex sequence change that results in the deletion of 33 and insertion of 14 amino acid(s) in the FANCA protein (p.Ala1423_Phe1455delins14). This variant is not present in population databases (gnomAD no frequency). This variant has been observed in individual(s) with Fanconi anemia (PMID: 19367192). ClinVar contains an entry for this variant (Variation ID: 974273). This variant disrupts a region of the FANCA protein in which other variant(s) (p.Asp1429Asn) have been determined to be pathogenic (Invitae). This suggests that this is a clinically significant region of the protein, and that variants that disrupt it are likely to be disease-causing. For these reasons, this variant has been classified as Pathogenic.

Baylor Genetics
Classification: Pathogenic for Fanconi anemia complementation group A. Last evaluated: 2023-10-31. Review status: criteria provided, single submitter. Criteria: ACMG Guidelines, 2015. Collection method: clinical testing. Allele origin: unknown.

Leiden Open Variation Database
Classification: Pathogenic for Fanconi anemia complementation group A. Last evaluated: 2020-02-28. Review status: no assertion criteria provided. Collection method: curation. Allele origin: germline. Affected: yes. Not counted in ClinVar's aggregate classification.
Comment: Curator: Arleen D. Auerbach. Submitters to LOVD: Arleen D. Auerbach, Sue Richards.

Literature cited by the submitters: PubMed 19367192 (cited by 3 submitters); PubMed 10094191 (cited by Leiden Open Variation Database).